The following is an entry in ClinVar:

NM_002860.4(ALDH18A1):c.2186A>G (p.Asp729Gly)

Gene: ALDH18A1 (aldehyde dehydrogenase 18 family member A1; minus strand). Cytogenetic location: 10q24.1.
Variant type: single nucleotide variant.
Coding change: c.2186A>G on transcript NM_002860.4 (MANE Select); coding-DNA position 2186, A replaced by G.
Protein change: p.Asp729Gly; replaces aspartic acid 729 with glycine.
Molecular consequence: missense variant.
Genome position (GRCh38, 1-based): chr10:95,610,217, T>C on the plus strand (A>G on the coding strand, the complement: ALDH18A1 is on the minus strand). VCF-style: chr10-95610217-T-C. GRCh37 (hg19) VCF-style: chr10-97369974-T-C.
Other names: c.2180A>G, p.Asp727Gly (NM_001017423.2, NM_001323415.2); c.1853A>G, p.Asp618Gly (NM_001323412.2, NM_001323416.2); c.2186A>G, p.Asp729Gly (NM_001323413.2, NM_001323414.2); c.2081A>G, p.Asp694Gly (NM_001323417.2); c.1847A>G, p.Asp616Gly (NM_001323418.2); c.1550A>G, p.Asp517Gly (NM_001323419.2); short protein forms D517G, D616G, D618G, D694G, D727G, D729G.
Identifiers: ClinVar variation 2640709 (VCV002640709.24), dbSNP rs770249022, ClinGen allele CA377699597.

ClinVar aggregate classification (germline): Uncertain significance (1 of 4 stars; one submission).

gnomAD v4.1: 1 of 1,614,042 alleles (0.000062%); highest among the groups gnomAD compares: East Asian, 0.0022%; no homozygotes.

Submission:

CeGaT Center for Human Genetics Tuebingen
Classification: Uncertain significance. Last evaluated: 2023-03-01. Review status: criteria provided, single submitter. Criteria: CeGaT Center For Human Genetics Tuebingen Variant Classification Criteria Version 2. Collection method: clinical testing. Allele origin: germline. Affected: yes. Observed: 1 variant allele.
Comment: ALDH18A1: PM2, PP3